The following is an entry in ClinVar:

ClinVar aggregate classification (germline): Uncertain significance (0 of 4 stars; one submission).

Conditions:
CACNA1C-related disorder. Also called: CACNA1C-related disorders; CACNA1C-related condition. Identifiers: MedGen CN381092, MONDO:0700321.

Submission:

PreventionGenetics, part of Exact Sciences
Classification: Uncertain significance for CACNA1C-related condition. Last evaluated: 2024-09-01. Review status: no assertion criteria provided. Collection method: clinical testing. Allele origin: germline.
Comment: The CACNA1C c.1940C>G variant is predicted to result in the amino acid substitution p.Ser647Cys. To our knowledge, this variant has not been reported in the literature or in a large population database, indicating this variant is rare. At this time, the clinical significance of this variant is uncertain due to the absence of conclusive functional and genetic evidence.

NM_000719.7(CACNA1C):c.1940C>G (p.Ser647Cys)

Gene: CACNA1C (calcium voltage-gated channel subunit alpha1 C; plus strand). Cytogenetic location: 12p13.33.
Variant type: single nucleotide variant.
Coding change: c.1940C>G on transcript NM_000719.7 (MANE Select); coding-DNA position 1940, C replaced by G.
Protein change: p.Ser647Cys; replaces serine 647 with cysteine.
Molecular consequence: missense variant.
Genome position (GRCh38, 1-based): chr12:2,581,634, C>G. VCF-style: chr12-2581634-C-G. GRCh37 (hg19) VCF-style: chr12-2690800-C-G.
Other names: c.1940C>G, p.Ser647Cys (NM_001129827.2, NM_001129829.2, NM_001129830.3 and 18 more transcripts); c.1931C>G, p.Ser644Cys (NM_001129844.2); short protein forms S644C, S647C.
Identifiers: ClinVar variation 3347039 (VCV003347039.1).